The following is an entry in ClinVar:

ClinVar aggregate classification (germline): Uncertain significance (1 of 4 stars; one submission).

Conditions:
Agammaglobulinemia 2, autosomal recessive (AGM2). Also called: AGAMMAGLOBULINEMIA, AUTOSOMAL RECESSIVE, DUE TO IGLL1 DEFECT. Identifiers: MedGen C3150750, MONDO:0013287, OMIM 613500.

Submission:

Labcorp Genetics (formerly Invitae), Labcorp
Classification: Uncertain significance for Agammaglobulinemia 2, autosomal recessive. Last evaluated: 2025-02-25. Review status: criteria provided, single submitter. Criteria: Invitae Variant Classification Sherloc (09022015). Collection method: clinical testing. Allele origin: germline.
Comment: This sequence change creates a premature translational stop signal (p.Leu10Profs*2) in the IGLL1 gene. It is expected to result in an absent or disrupted protein product. However, the current clinical and genetic evidence is not sufficient to establish whether loss-of-function variants in IGLL1 cause disease. This variant is not present in population databases (gnomAD no frequency). This variant has not been reported in the literature in individuals affected with IGLL1-related conditions. ClinVar contains an entry for this variant (Variation ID: 1359833). In summary, the available evidence is currently insufficient to determine the role of this variant in disease. Therefore, it has been classified as a Variant of Uncertain Significance.

NM_020070.4(IGLL1):c.26dup (p.Leu10fs)

Gene: IGLL1 (immunoglobulin lambda like polypeptide 1; minus strand). Cytogenetic location: 22q11.23.
Variant type: Duplication.
Coding change: c.26dup on transcript NM_020070.4 (MANE Select); coding-DNA position 26, one base duplicated (G; older notation c.26dupG).
Protein change: p.Leu10fs; shifts the reading frame from leucine 10.
Molecular consequence: frameshift variant.
Genome position (GRCh38, 1-based): chr22:23,580,165, C duplicated on the plus strand (G on the coding strand, the reverse complement: IGLL1 is on the minus strand); the first of 6 consecutive C bases (chr22:23,580,165-23,580,170); duplicating any one gives the same sequence. VCF-style (leftmost placement, unchanged base first): chr22-23580164-G-GC. GRCh37 (hg19) VCF-style: chr22-23922351-G-GC.
Other names: c.26dup, p.Leu10fs (NM_001369906.1, NM_152855.3); short protein forms L10fs.
Identifiers: ClinVar variation 1359833 (VCV001359833.6), dbSNP rs1569072706, ClinGen allele CA638949865.